The following is an entry in ClinVar:

ClinVar aggregate classification (germline): Uncertain significance (1 of 4 stars; one submission).

Conditions:
Left ventricular noncompaction 8 (LVNC8). Identifiers: Orphanet 154, Orphanet 54260, MedGen C3809288, MONDO:0014152, OMIM 615373.

Allele frequency attached by ClinVar (database versions not stated): TOPMed below 0.00001; gnomAD exomes 0.00002.
gnomAD v4.1: 7 of 1,564,078 alleles (0.00045%); highest among the groups gnomAD compares: Admixed American, 0.0038%; no homozygotes.

Submission:

Labcorp Genetics (formerly Invitae), Labcorp
Classification: Uncertain significance for Left ventricular noncompaction 8. Last evaluated: 2026-01-05. Review status: criteria provided, single submitter. Criteria: Invitae Variant Classification Sherloc (09022015). Collection method: clinical testing. Allele origin: germline.
Comment: This sequence change replaces glutamine, which is neutral and polar, with arginine, which is basic and polar, at codon 815 of the PRDM16 protein (p.Gln815Arg). This variant is present in population databases (no rsID available, gnomAD 0.008%). This variant has not been reported in the literature in individuals affected with PRDM16-related conditions. ClinVar contains an entry for this variant (Variation ID: 1402745). An algorithm developed to predict the effect of missense changes on protein structure and function (PolyPhen-2) suggests that this variant is likely to be tolerated. In summary, the available evidence is currently insufficient to determine the role of this variant in disease. Therefore, it has been classified as a Variant of Uncertain Significance.

NM_022114.4(PRDM16):c.2444A>G (p.Gln815Arg)

Gene: PRDM16 (PR/SET domain 16; plus strand). Cytogenetic location: 1p36.32.
Variant type: single nucleotide variant.
Coding change: c.2444A>G on transcript NM_022114.4 (MANE Select); coding-DNA position 2444, A replaced by G.
Protein change: p.Gln815Arg; replaces glutamine 815 with arginine.
Molecular consequence: missense variant.
Genome position (GRCh38, 1-based): chr1:3,412,641, A>G. VCF-style: chr1-3412641-A-G. GRCh37 (hg19) VCF-style: chr1-3329205-A-G.
Other names: c.2444A>G, p.Gln815Arg (NM_199454.3); short protein forms Q815R.
Identifiers: ClinVar variation 1402745 (VCV001402745.9), dbSNP rs1369390354, ClinGen allele CA338000520.
Genomic context (GRCh38, chr1:3,412,641, plus strand): 5'-CCGCATCCGGCGAGGAGCAGCCGCTGGACCTGAGCATCGGCAGCCGGGCCCGTGCCAGCC[A>G]AAACGGCGGCGGGCGGGAGCCCCGCAAGAACCACGTCTATGGGGAACGCAAGCTGGGCGC-3'
Protein context (NP_071397.3, residues 805-825): LSIGSRARAS[Gln815Arg]NGGGREPRKN